The following is an entry in ClinVar:

ClinVar aggregate classification (germline): Uncertain significance. Review status: criteria provided, multiple submitters, no conflicts (2 of 4 stars). 2 submissions from 2 submitters: Uncertain significance (2). Last evaluated 2023-11-03.

Conditions:
Neonatal encephalomyopathy-cardiomyopathy-respiratory distress syndrome. Also called: Coenzyme Q10 deficiency, primary, 7. Identifiers: Orphanet 457185, MedGen C5568562, MONDO:0014562, OMIM 616276.
Inborn genetic diseases. Identifiers: MedGen C0950123, MeSH D030342.

Allele frequency attached by ClinVar (database versions not stated): TOPMed 0.00002; ESP Exome Variant Server 0.00016.
gnomAD v4.1: 15 of 1,581,670 alleles (0.00095%); highest among the groups gnomAD compares: South Asian, 0.0034%; no homozygotes.

Submissions (2):

Ambry Genetics
Classification: Uncertain significance for Inborn genetic diseases. Last evaluated: 2023-11-03. Review status: criteria provided, single submitter. Criteria: Ambry Variant Classification Scheme 2023. Collection method: clinical testing. Allele origin: germline.

Labcorp Genetics (formerly Invitae), Labcorp
Classification: Uncertain significance for Neonatal encephalomyopathy-cardiomyopathy-respiratory distress syndrome. Last evaluated: 2021-08-13. Review status: criteria provided, single submitter. Criteria: Invitae Variant Classification Sherloc (09022015). Collection method: clinical testing. Allele origin: germline.
Comment: This sequence change replaces arginine with histidine at codon 6 of the COQ4 protein (p.Arg6His). The arginine residue is weakly conserved and there is a small physicochemical difference between arginine and histidine. This variant is present in population databases (rs371409929, ExAC 0.02%). This missense change has been observed in individual(s) with clinical features of COQ4-related conditions (Invitae). Algorithms developed to predict the effect of missense changes on protein structure and function output the following: SIFT: "Tolerated"; PolyPhen-2: "Benign"; Align-GVGD: "Class C0". The histidine amino acid residue is found in multiple mammalian species, which suggests that this missense change does not adversely affect protein function. In summary, the available evidence is currently insufficient to determine the role of this variant in disease. Therefore, it has been classified as a Variant of Uncertain Significance.

NM_016035.5(COQ4):c.17G>A (p.Arg6His)

Gene: COQ4 (coenzyme Q4; plus strand). Cytogenetic location: 9q34.11.
Variant type: single nucleotide variant.
Coding change: c.17G>A on transcript NM_016035.5 (MANE Select); coding-DNA position 17, G replaced by A.
Protein change: p.Arg6His; replaces arginine 6 with histidine.
Molecular consequence: missense variant.
Genome position (GRCh38, 1-based): chr9:128,322,875, G>A. VCF-style: chr9-128322875-G-A. GRCh37 (hg19) VCF-style: chr9-131085154-G-A.
Other names: c.17G>A, p.Arg6His (NM_001305942.2); c.17G>A (NM_016035.3); short protein forms R6H.
Identifiers: ClinVar variation 642163 (VCV000642163.6), dbSNP rs371409929, ClinGen allele CA5260362.